The following is an entry in ClinVar:

NM_001368397.1(FRMPD4):c.2804T>A (p.Met935Lys)

Gene: FRMPD4 (FERM and PDZ domain containing 4; plus strand). Cytogenetic location: Xp22.2.
Variant type: single nucleotide variant.
Coding change: c.2804T>A on transcript NM_001368397.1 (MANE Select); coding-DNA position 2804, T replaced by A.
Protein change: p.Met935Lys; replaces methionine 935 with lysine.
Molecular consequence: missense variant.
Genome position (GRCh38, 1-based): chrX:12,717,630, T>A. VCF-style: chrX-12717630-T-A. GRCh37 (hg19) VCF-style: chrX-12735749-T-A.
Other names: c.2915T>A, p.Met972Lys (NM_001368395.3, NM_001368398.3); c.2810T>A, p.Met937Lys (NM_001368396.3); c.2795T>A, p.Met932Lys (NM_001368399.3); c.2684T>A, p.Met895Lys (NM_001368400.3); c.2780T>A, p.Met927Lys (NM_001368401.1, NM_001368402.3); c.2804T>A, p.Met935Lys (NM_014728.3); short protein forms M895K, M927K, M932K, M935K, M937K, M972K.
Identifiers: ClinVar variation 4846796 (VCV004846796.1).

ClinVar aggregate classification (germline): Uncertain significance (1 of 4 stars; one submission).

Conditions:
Intellectual developmental disorder, X-linked 104. Also called: Intellectual disability, X-linked 104. Identifiers: MedGen C4310817, MONDO:0010509, OMIM 300983.

Submission:

Laboratorio de Genetica e Diagnostico Molecular, Hospital Israelita Albert Einstein
Classification: Uncertain significance for Intellectual developmental disorder, X-linked 104. Last evaluated: 2023-11-16. Review status: criteria provided, single submitter. Criteria: ACMG Guidelines, 2015. Collection method: clinical testing. Allele origin: germline. Affected: yes.
Comment: ACMG classification criteria: PM2 moderate, BP4 supporting